The following is an entry in ClinVar:

ClinVar aggregate classification (germline): Likely benign. Review status: criteria provided, multiple submitters, no conflicts (2 of 4 stars). 2 submissions from 2 submitters: Likely benign (2). Last evaluated 2026-08-28.

Conditions:
TYRP1-related disorder. Also called: TYRP1-related condition.

Allele frequency attached by ClinVar (database versions not stated): ExAC 0.00001; TOPMed 0.00001; gnomAD 0.00003; 1000 Genomes Project 0.00020; 1000 Genomes Project 30x 0.00031.
gnomAD v4.1: 11 of 1,612,594 alleles (0.00068%); highest among the groups gnomAD compares: African/African-American, 0.008%; no homozygotes.

Submissions (2):

PreventionGenetics, part of Exact Sciences
Classification: Likely benign for TYRP1-related condition. Last evaluated: 2026-08-28. Review status: criteria provided, single submitter. Criteria: ACMG Guidelines, 2015. Collection method: clinical testing. Allele origin: germline.
Comment: This variant is classified as likely benign based on ACMG/AMP sequence variant interpretation guidelines (Richards et al. 2015 PMID: 25741868, with internal and published modifications).

Labcorp Genetics (formerly Invitae), Labcorp
Classification: Likely benign. Last evaluated: 2024-01-11. Review status: criteria provided, single submitter. Criteria: Invitae Variant Classification Sherloc (09022015). Collection method: clinical testing. Allele origin: germline.

NM_000550.3(TYRP1):c.1578T>C (p.Tyr526=)

Genes: LURAP1L-AS1 (LURAP1L antisense RNA 1; minus strand), TYRP1 (tyrosinase related protein 1; plus strand). Cytogenetic location: 9p23.
Variant type: single nucleotide variant.
Coding change: c.1578T>C on transcript NM_000550.3 (MANE Select); coding-DNA position 1578, T replaced by C.
Protein change: p.Tyr526=; no amino-acid change (tyrosine 526 retained).
Molecular consequence: synonymous variant.
Genome position (GRCh38, 1-based): chr9:12,709,146, T>C. VCF-style: chr9-12709146-T-C. GRCh37 (hg19) VCF-style: chr9-12709146-T-C.
Other names: c.1578T>C (NM_000550.2).
Identifiers: ClinVar variation 1901346 (VCV001901346.6), dbSNP rs534623271, ClinGen allele CA4985631.